The following is an entry in ClinVar:

NM_000090.4(COL3A1):c.1772G>C (p.Gly591Ala)

Gene: COL3A1 (collagen type III alpha 1 chain; plus strand). Cytogenetic location: 2q32.2.
Variant type: single nucleotide variant.
Coding change: c.1772G>C on transcript NM_000090.4 (MANE Select); coding-DNA position 1772, G replaced by C.
Protein change: p.Gly591Ala; replaces glycine 591 with alanine.
Molecular consequence: missense variant.
Genome position (GRCh38, 1-based): chr2:188,997,175, G>C. VCF-style: chr2-188997175-G-C. GRCh37 (hg19) VCF-style: chr2-189861901-G-C.
Other names: short protein forms G591A.
Identifiers: ClinVar variation 4800322 (VCV004800322.1).

ClinVar aggregate classification (germline): Likely pathogenic (1 of 4 stars; one submission).

Conditions:
Ehlers-Danlos syndrome, type 4 (EDSVASC). Also called: Ehlers-Danlos syndrome vascular type; Ehlers Danlos syndrome, ecchymotic type; Ehlers Danlos syndrome, arterial type; Ehlers Danlos syndrome, Sack-Barabas type; Ehlers-Danlos Syndrome Type IV. Identifiers: Orphanet 286, MedGen C0268338, MONDO:0017314, OMIM 130050.

gnomAD v4.1: 1 of 1,613,942 alleles (0.000062%); highest among the groups gnomAD compares: South Asian, 0.0011%; no homozygotes.

Submission:

Labcorp Genetics (formerly Invitae), Labcorp
Classification: Likely pathogenic for Ehlers-Danlos syndrome, type 4. Last evaluated: 2025-11-01. Review status: criteria provided, single submitter. Criteria: Invitae Variant Classification Sherloc (09022015). Collection method: clinical testing. Allele origin: germline.
Comment: This sequence change replaces glycine, which is neutral and non-polar, with alanine, which is neutral and non-polar, at codon 591 of the COL3A1 protein (p.Gly591Ala). This variant is not present in population databases (gnomAD no frequency). This variant has not been reported in the literature in individuals affected with COL3A1-related conditions. Invitae Evidence Modeling of protein sequence and biophysical properties (such as structural, functional, and spatial information, amino acid conservation, physicochemical variation, residue mobility, and thermodynamic stability) indicates that this missense variant is expected to disrupt COL3A1 protein function with a positive predictive value of 95%. This variant disrupts the triple helix domain of COL3A1. Glycine residues within the Gly-Xaa-Yaa repeats of the triple helix domain are required for the structure and stability of fibrillar collagens (PMID: 7695699, 8218237, 19344236). In COL3A1, variants that affect these glycine residues are significantly enriched in individuals with disease (PMID: 24922459, 25758994) compared to the general population (ExAC). In summary, the currently available evidence indicates that the variant is pathogenic, but additional data are needed to prove that conclusively. Therefore, this variant has been classified as Likely Pathogenic.

Literature cited by the submitters: PubMed 7695699; PubMed 8218237; PubMed 19344236; PubMed 24922459; PubMed 25758994.